The following is an entry in ClinVar:

ClinVar aggregate classification (germline): Uncertain significance (1 of 4 stars; one submission).

Conditions:
Dyskeratosis congenita, autosomal recessive 5 (DKCB5). Identifiers: MedGen C3554656, MONDO:0014076, OMIM 615190.
Pulmonary fibrosis and/or bone marrow failure, Telomere-related, 3. Also called: PULMONARY FIBROSIS AND/OR BONE MARROW FAILURE SYNDROME, TELOMERE-RELATED, 3. Identifiers: Orphanet 2032, MedGen C4225346, MONDO:0014613, OMIM 616373.

Allele frequency attached by ClinVar (database versions not stated): gnomAD exomes below 0.00001; TOPMed below 0.00001; gnomAD 0.00001.
gnomAD v4.1: 2 of 1,597,284 alleles (0.00013%); highest among the groups gnomAD compares: African/African-American, 0.0013%; no homozygotes.

Submission:

Labcorp Genetics (formerly Invitae), Labcorp
Classification: Uncertain significance for Dyskeratosis congenita, autosomal recessive 5; Pulmonary fibrosis and/or bone marrow failure, Telomere-related, 3. Last evaluated: 2021-09-02. Review status: criteria provided, single submitter. Criteria: Invitae Variant Classification Sherloc (09022015). Collection method: clinical testing. Allele origin: germline.
Comment: This sequence change falls in intron 31 of the RTEL1 gene. It does not directly change the encoded amino acid sequence of the RTEL1 protein. This variant is not present in population databases (ExAC no frequency). This variant has not been reported in the literature in individuals affected with RTEL1-related conditions. Algorithms developed to predict the effect of sequence changes on RNA splicing suggest that this variant may disrupt the consensus splice site. In summary, the available evidence is currently insufficient to determine the role of this variant in disease. Therefore, it has been classified as a Variant of Uncertain Significance.

NM_001283009.2(RTEL1):c.3110-4C>G

Genes: RTEL1 (regulator of telomere elongation helicase 1; plus strand), RTEL1-TNFRSF6B (RTEL1-TNFRSF6B readthrough (NMD candidate); plus strand). Cytogenetic location: 20q13.33.
Variant type: single nucleotide variant.
Coding change: c.3110-4C>G on transcript NM_001283009.2 (MANE Select); 4 bases into the intron before coding-DNA position 3110, C replaced by G.
Molecular consequence: intron variant.
Genome position (GRCh38, 1-based): chr20:63,694,737, C>G. VCF-style: chr20-63694737-C-G. GRCh37 (hg19) VCF-style: chr20-62326090-C-G.
Other names: c.2441-4C>G (NM_001283010.1); c.3182-4C>G (NM_032957.5); c.3110-4C>G (NM_016434.4).
Identifiers: ClinVar variation 1447422 (VCV001447422.5), dbSNP rs1417877726, ClinGen allele CA636615313.